The following is an entry in ClinVar:

NM_000548.5(TSC2):c.1291G>C (p.Ala431Pro)

Gene: TSC2 (TSC complex subunit 2; plus strand). Cytogenetic location: 16p13.3.
Variant type: single nucleotide variant.
Coding change: c.1291G>C on transcript NM_000548.5 (MANE Select); coding-DNA position 1291, G replaced by C.
Protein change: p.Ala431Pro; replaces alanine 431 with proline.
Molecular consequence: missense variant.
Genome position (GRCh38, 1-based): chr16:2,062,530, G>C. VCF-style: chr16-2062530-G-C. GRCh37 (hg19) VCF-style: chr16-2112531-G-C.
Other names: c.1291G>C, p.Ala431Pro (NM_001077183.3, NM_001114382.3, NM_001363528.2 and 3 more transcripts); c.1180G>C, p.Ala394Pro (NM_001318827.2); c.1144G>C, p.Ala382Pro (NM_001318829.2); c.691G>C, p.Ala231Pro (NM_001318831.2); c.1324G>C, p.Ala442Pro (NM_001318832.2); short protein forms A231P, A382P, A394P, A431P, A442P.
Identifiers: ClinVar variation 1024143 (VCV001024143.8), dbSNP rs2086770794, ClinGen allele CA394322061.

ClinVar aggregate classification (germline): Uncertain significance (1 of 4 stars; one submission).

Conditions:
Tuberous sclerosis 2 (TSC2). Identifiers: Orphanet 805, MedGen C1860707, MONDO:0013199, OMIM 613254.

Submission:

Labcorp Genetics (formerly Invitae), Labcorp
Classification: Uncertain significance for Tuberous sclerosis 2. Last evaluated: 2025-08-18. Review status: criteria provided, single submitter. Criteria: Invitae Variant Classification Sherloc (09022015). Collection method: clinical testing. Allele origin: germline.
Comment: This sequence change replaces alanine, which is neutral and non-polar, with proline, which is neutral and non-polar, at codon 431 of the TSC2 protein (p.Ala431Pro). This variant is not present in population databases (gnomAD no frequency). This variant has not been reported in the literature in individuals affected with TSC2-related conditions. ClinVar contains an entry for this variant (Variation ID: 1024143). Invitae Evidence Modeling of protein sequence and biophysical properties (such as structural, functional, and spatial information, amino acid conservation, physicochemical variation, residue mobility, and thermodynamic stability) indicates that this missense variant is not expected to disrupt TSC2 protein function with a negative predictive value of 95%. In summary, the available evidence is currently insufficient to determine the role of this variant in disease. Therefore, it has been classified as a Variant of Uncertain Significance.